The following is an entry in ClinVar:

NM_021008.4(DEAF1):c.51_92del (p.Val19_Ala32del)

Gene: DEAF1 (DEAF1 transcription factor; minus strand). Cytogenetic location: 11p15.5.
Variant type: Deletion.
Coding change: c.51_92del on transcript NM_021008.4 (MANE Select); coding-DNA positions 51 to 92, 42 bases deleted.
Protein change: p.Val19_Ala32del.
Molecular consequence: inframe deletion. On other transcripts: inframe indel (1), intron variant (1).
Genome position (GRCh38, 1-based): chr11:694,956-694,997, 42 bases deleted; deleting any 42 consecutive bases within chr11:694,956-695,002 gives the same sequence; the c. name uses the placement nearest the transcript's 3' end. GRCh37 (hg19): chr11:694,961-695,002.
Other names: c.46_87del42, p.Val19_Ala32del (NM_001293634.2); c.-437-3399_-437-3358del (NM_001367390.1).
Identifiers: ClinVar variation 1179363 (VCV001179363.32), dbSNP rs758496577, ClinGen allele CA5786664.
Genomic context (GRCh38, chr11:694,955, plus strand): 5'-GTCCTCCTCCGAGTCCTCGTCCCTGCTCAGCACCGGCTCCTCCGCCTCGCCTCCTGCCGC[GGCCGCGGCCGCCGCCGCCACAGCGGCCGCGGCCGCCACCGCC>G]GCCGCCTCAGCCAGGCCCAGCTGCTTTGCCGCCGAGTCCGAGTCCTCCATCCGGACTCCG-3'

ClinVar aggregate classification (germline): Conflicting classifications of pathogenicity. Review status: criteria provided, conflicting classifications (1 of 4 stars). 4 submissions from 4 submitters: Uncertain significance (1); Likely benign (3). Last evaluated 2024-11-27.

Submissions (4):

Blueprint Genetics
Classification: Likely benign. Last evaluated: 2024-11-27. Review status: criteria provided, single submitter. Criteria: ACMG Guidelines, 2015. Collection method: clinical testing. Allele origin: germline.

CeGaT Center for Human Genetics Tuebingen
Classification: Likely benign. Last evaluated: 2024-01-01. Review status: criteria provided, single submitter. Criteria: CeGaT Center For Human Genetics Tuebingen Variant Classification Criteria Version 2. Collection method: clinical testing. Allele origin: germline. Affected: yes. Observed: 2 variant alleles.
Comment: DEAF1: BS2

GeneDx
Classification: Likely benign. Last evaluated: 2021-05-07. Review status: criteria provided, single submitter. Criteria: GeneDx Variant Classification Process June 2021. Collection method: clinical testing. Allele origin: germline. Affected: yes.

Labcorp Genetics (formerly Invitae), Labcorp
Classification: Uncertain significance. Last evaluated: 2021-04-01. Review status: criteria provided, single submitter. Criteria: Invitae Variant Classification Sherloc (09022015). Collection method: clinical testing. Allele origin: germline.
Comment: In summary, the available evidence is currently insufficient to determine the role of this variant in disease. Therefore, it has been classified as a Variant of Uncertain Significance. Experimental studies and prediction algorithms are not available or were not evaluated, and the functional significance of this variant is currently unknown. This variant has not been reported in the literature in individuals with DEAF1-related conditions. The frequency data for this variant in the population databases is considered unreliable, as metrics indicate poor data quality at this position in the ExAC database. This variant, c.51_92del, results in the deletion of 14 amino acid(s) of the DEAF1 protein (p.Val19_Ala32del), but otherwise preserves the integrity of the reading frame.